The following is an entry in ClinVar:

NM_173660.5(DOK7):c.532+122C>A

Gene: DOK7 (docking protein 7; plus strand). Cytogenetic location: 4p16.3.
Variant type: single nucleotide variant.
Coding change: c.532+122C>A on transcript NM_173660.5 (MANE Select); 122 bases into the intron after coding-DNA position 532, C replaced by A.
Molecular consequence: intron variant.
Genome position (GRCh38, 1-based): chr4:3,476,664, C>A. VCF-style: chr4-3476664-C-A. GRCh37 (hg19) VCF-style: chr4-3478391-C-A.
Other names: c.532+122C>A (NM_001301071.2); c.101-8875C>A (NM_001363811.2); c.521+133C>A (NM_001164673.2).
Identifiers: ClinVar variation 681771 (VCV000681771.2), dbSNP rs2857987, ClinGen allele CA11823783.
Genomic context (GRCh38, chr4:3,476,664, plus strand): 5'-GCTGGCTTCGGGCCGGCCGACCCCACTTGCAGGCTGGCCTGCTGGCATTTCCAGAATGCG[C>A]CGGCAGGTGGACGGAGTCTCCCCACGCTCGATGTCCAAGGTCCTCTGCCCGCAGGAACCT-3'

ClinVar aggregate classification (germline): Benign. Review status: criteria provided, multiple submitters, no conflicts (2 of 4 stars). 2 submissions from 2 submitters: Benign (2). Last evaluated 2018-06-19.

Allele frequency attached by ClinVar (database versions not stated): 1000 Genomes Project 30x 0.09197; 1000 Genomes Project 0.09085; TOPMed 0.12729.
gnomAD v4.1: 163,483 of 1,281,944 alleles (13%); highest among the groups gnomAD compares: Middle Eastern, 20%; 11,355 homozygotes.

Submissions (2):

GeneDx
Classification: Benign. Last evaluated: 2018-06-19. Review status: criteria provided, single submitter. Criteria: GeneDx Variant Classification (06012015). Collection method: clinical testing. Allele origin: germline. Affected: yes.
Comment: This variant is considered likely benign or benign based on one or more of the following criteria: it is a conservative change, it occurs at a poorly conserved position in the protein, it is predicted to be benign by multiple in silico algorithms, and/or has population frequency not consistent with disease.

Breakthrough Genomics
Classification: Benign. Review status: criteria provided, single submitter. Criteria: ACMG Guidelines, 2015. Collection method: not provided. Allele origin: germline. Inheritance: Autosomal recessive inheritance. Affected: yes.